The following is an entry in ClinVar:

NM_000093.5(COL5A1):c.4126dup (p.Ser1376fs)

Gene: COL5A1 (collagen type V alpha 1 chain; plus strand). Cytogenetic location: 9q34.3.
Variant type: Duplication.
Coding change: c.4126dup on transcript NM_000093.5 (MANE Select); coding-DNA position 4126, one base duplicated (T; older notation c.4126dupT).
Protein change: p.Ser1376fs; shifts the reading frame from serine 1376.
Molecular consequence: frameshift variant.
Genome position (GRCh38, 1-based): chr9:134,817,029, T duplicated. VCF-style (leftmost placement, unchanged base first): chr9-134817028-A-AT. GRCh37 (hg19) VCF-style: chr9-137708874-A-AT.
Other names: c.4126dup, p.Ser1376fs (NM_001278074.1); c.4126dupT (NM_000093.4); short protein forms S1376fs.
Identifiers: ClinVar variation 430182 (VCV000430182.9), dbSNP rs1131691820, ClinGen allele CA645369416.

ClinVar aggregate classification (germline): Pathogenic. Review status: criteria provided, multiple submitters, no conflicts (2 of 4 stars). 2 submissions from 2 submitters: Pathogenic (2). Last evaluated 2018-04-18.

Conditions:
Ehlers-Danlos syndrome, classic type, 1 (EDSCL1). Also called: EHLERS-DANLOS SYNDROME, GRAVIS TYPE; EHLERS-DANLOS SYNDROME, SEVERE CLASSIC TYPE; EDS I; Ehlers-Danlos Syndrome, Classic Type, COL5A1-Related; Ehlers-Danlos syndrome, type 1. Identifiers: MedGen C0268335, MONDO:0019567, OMIM 130000.

Submissions (2):

Labcorp Genetics (formerly Invitae), Labcorp
Classification: Pathogenic for Ehlers-Danlos syndrome, classic type, 1. Last evaluated: 2018-04-18. Review status: criteria provided, single submitter. Criteria: Invitae Variant Classification Sherloc (09022015). Collection method: clinical testing. Allele origin: germline.
Comment: This sequence change creates a premature translational stop signal (p.Ser1376Phefs*7) in the COL5A1 gene. It is expected to result in an absent or disrupted protein product. This variant is not present in population databases (ExAC no frequency). This variant has not been reported in the literature in individuals with COL5A1-related disease. ClinVar contains an entry for this variant (Variation ID: 430182). Loss-of-function variants in COL5A1 are known to be pathogenic (PMID: 23587214). For these reasons, this variant has been classified as Pathogenic.

GeneDx
Classification: Pathogenic. Last evaluated: 2017-05-23. Review status: criteria provided, single submitter. Criteria: GeneDx Variant Classification (06012015). Collection method: clinical testing. Allele origin: germline. Affected: yes.
Comment: Although the c.4126dupT pathogenic variant in the COL5A1 gene has not been reported to our knowledge, this variant causes a shift in reading frame starting at codon Serine 1376, changing it to a Phenylalanine, and creating a premature stop codon at position 7 of the new reading frame, denoted p.Ser1376PhefsX7. This pathogenic variant is expected to result in either an abnormal, truncated protein product or loss of protein from this allele through nonsense-mediated mRNA decay. Multiple other frameshift variants in the COL5A1 gene have been reported in the Human Gene Mutation Database in association with classical Ehlers-Danlos syndrome (cEDS, EDS type I and II) (Stenson et al., 2014), indicating that loss of function is a mechanism of disease for this gene. Furthermore, the c.4126dupT variant has not been observed in large population cohorts (Lek et al., 2016; 1000 Genomes Consortium et al., 2015; Exome Variant Server).

Literature cited by the submitters: PubMed 23587214 (cited by Labcorp Genetics (formerly Invitae), Labcorp).